The following is an entry in ClinVar:

NM_006361.6(HOXB13):c.196T>C (p.Cys66Arg)

Gene: HOXB13 (homeobox B13; minus strand). Cytogenetic location: 17q21.32.
Variant type: single nucleotide variant.
Coding change: c.196T>C on transcript NM_006361.6 (MANE Select); coding-DNA position 196, T replaced by C.
Protein change: p.Cys66Arg; replaces cysteine 66 with arginine.
Molecular consequence: missense variant.
Genome position (GRCh38, 1-based): chr17:48,728,398, A>G on the plus strand (T>C on the coding strand, the complement: HOXB13 is on the minus strand). VCF-style: chr17-48728398-A-G. GRCh37 (hg19) VCF-style: chr17-46805760-A-G.
Other names: short protein forms C66R.
Identifiers: ClinVar variation 820440 (VCV000820440.11), dbSNP rs778843798, ClinGen allele CA8634047.
Genomic context (GRCh38, chr17:48,728,398, plus strand): 5'-CGCCTCCAAAGTAACCATAAGGCACGGGAGCTGGGGACGTCCCCTGGGGCACCCCAGGGC[A>G]TGGGTGGCATTGCTTTGGCGGCTCCGCCGAGCCTGGCAGATCCAAGGGGGCATAGTTGAC-3'
Protein context (NP_006352.2, residues 56-76): SAEPPKQCHP[Cys66Arg]PGVPQGTSPA

ClinVar aggregate classification (germline): Uncertain significance. Review status: criteria provided, multiple submitters, no conflicts (2 of 4 stars). 2 submissions from 2 submitters: Uncertain significance (2). Last evaluated 2025-02-18.

Conditions:
Hereditary cancer-predisposing syndrome. Also called: Neoplastic Syndromes, Hereditary; Tumor predisposition; Hereditary Cancer Syndrome; Hereditary neoplastic syndrome. Identifiers: Orphanet 140162, MedGen C0027672, MeSH D009386, MONDO:0015356.

Allele frequency attached by ClinVar (database versions not stated): ExAC 0.00002; gnomAD exomes 0.00002.
gnomAD v4.1: 28 of 1,613,710 alleles (0.0017%); highest among the groups gnomAD compares: South Asian, 0.031%; no homozygotes.

Submissions (2):

Labcorp Genetics (formerly Invitae), Labcorp
Classification: Uncertain significance. Last evaluated: 2025-02-18. Review status: criteria provided, single submitter. Criteria: Invitae Variant Classification Sherloc (09022015). Collection method: clinical testing. Allele origin: germline.
Comment: This sequence change replaces cysteine, which is neutral and slightly polar, with arginine, which is basic and polar, at codon 66 of the HOXB13 protein (p.Cys66Arg). This variant is present in population databases (rs778843798, gnomAD 0.01%). This variant has not been reported in the literature in individuals affected with HOXB13-related conditions. ClinVar contains an entry for this variant (Variation ID: 820440). Invitae Evidence Modeling of protein sequence and biophysical properties (such as structural, functional, and spatial information, amino acid conservation, physicochemical variation, residue mobility, and thermodynamic stability) indicates that this missense variant is not expected to disrupt HOXB13 protein function with a negative predictive value of 80%. In summary, the available evidence is currently insufficient to determine the role of this variant in disease. Therefore, it has been classified as a Variant of Uncertain Significance.

Ambry Genetics
Classification: Uncertain significance for Hereditary cancer-predisposing syndrome. Last evaluated: 2024-12-19. Review status: criteria provided, single submitter. Criteria: Ambry Variant Classification Scheme 2023. Collection method: clinical testing. Allele origin: germline.
Comment: The p.C66R variant (also known as c.196T>C), located in coding exon 1 of the HOXB13 gene, results from a T to C substitution at nucleotide position 196. The cysteine at codon 66 is replaced by arginine, an amino acid with highly dissimilar properties. This alteration is predicted to have damaging and deleterious structural and functional properties based on results from six different in silico tools and protein structure modeling (Chandrasekaran G Sci Rep 2017 Mar;7:43830). This amino acid position is well conserved in available vertebrate species. In addition, the in silico prediction for this alteration is inconclusive. Since supporting evidence is limited at this time, the clinical significance of this alteration remains unclear.